The following is an entry in ClinVar:

NM_006953.4(UPK3A):c.259T>G (p.Ser87Ala)

Gene: UPK3A (uroplakin 3A; plus strand). Cytogenetic location: 22q13.31.
Variant type: single nucleotide variant.
Coding change: c.259T>G on transcript NM_006953.4 (MANE Select); coding-DNA position 259, T replaced by G.
Protein change: p.Ser87Ala; replaces serine 87 with alanine.
Molecular consequence: missense variant. On other transcripts: intron variant (1).
Genome position (GRCh38, 1-based): chr22:45,287,222, T>G. VCF-style: chr22-45287222-T-G. GRCh37 (hg19) VCF-style: chr22-45683103-T-G.
Other names: c.208+1126T>G (NM_001167574.2); short protein forms S87A.
Identifiers: ClinVar variation 341971 (VCV000341971.11), dbSNP rs145106685, ClinGen allele CA10284334.

ClinVar aggregate classification (germline): Benign/Likely benign. Review status: criteria provided, multiple submitters, no conflicts (2 of 4 stars). 3 submissions from 3 submitters: Benign (1); Likely benign (2). Last evaluated 2019-12-31.

Conditions:
Renal hypodysplasia/aplasia 1 (RHDA1). Also called: RENAL APLASIA; HEREDITARY RENAL APLASIA. Identifiers: Orphanet 411709, MedGen C1619700, MONDO:0024519, OMIM 191830.

Allele frequency attached by ClinVar (database versions not stated): gnomAD exomes 0.00068 and 0.00156; ExAC 0.00173; 1000 Genomes Project 0.00379; 1000 Genomes Project 30x 0.00422; ESP Exome Variant Server 0.00469; gnomAD 0.00537 and 0.00588; TOPMed 0.00600.
gnomAD v4.1: 1,844 of 1,614,166 alleles (0.11%); highest among the groups gnomAD compares: African/African-American, 1.8%; 12 homozygotes.

Submissions (3):

Labcorp Genetics (formerly Invitae), Labcorp
Classification: Benign. Last evaluated: 2019-12-31. Review status: criteria provided, single submitter. Criteria: Invitae Variant Classification Sherloc (09022015). Collection method: clinical testing. Allele origin: germline.

Illumina Laboratory Services, Illumina
Classification: Likely benign for Renal hypodysplasia/aplasia 1. Last evaluated: 2018-01-13. Review status: criteria provided, single submitter. Criteria: ICSL Variant Classification Criteria 13 December 2019. Collection method: clinical testing. Allele origin: germline.
Comment: This variant was observed in the ICSL laboratory as part of a predisposition screen in an ostensibly healthy population. It had not been previously curated by ICSL or reported in the Human Gene Mutation Database (HGMD: prior to June 1st, 2018), and was therefore a candidate for classification through an automated scoring system. Utilizing variant allele frequency, disease prevalence and penetrance estimates, and inheritance mode, an automated score was calculated to assess if this variant is too frequent to cause the disease. Based on the score and internal cut-off values, a variant classified as likely benign is not then subjected to further curation. The score for this variant resulted in a classification of likely benign for this disease.

Breakthrough Genomics
Classification: Likely benign. Review status: criteria provided, single submitter. Criteria: ACMG Guidelines, 2015. Collection method: not provided. Allele origin: germline. Inheritance: Unknown mechanism. Affected: yes.